The following is an entry in ClinVar:

NM_005535.3(IL12RB1):c.516C>G (p.Phe172Leu)

Gene: IL12RB1 (interleukin 12 receptor subunit beta 1; minus strand). Cytogenetic location: 19p13.11.
Variant type: single nucleotide variant.
Coding change: c.516C>G on transcript NM_005535.3 (MANE Select); coding-DNA position 516, C replaced by G.
Protein change: p.Phe172Leu; replaces phenylalanine 172 with leucine.
Molecular consequence: missense variant.
Genome position (GRCh38, 1-based): chr19:18,077,549, G>C on the plus strand (C>G on the coding strand, the complement: IL12RB1 is on the minus strand). VCF-style: chr19-18077549-G-C. GRCh37 (hg19) VCF-style: chr19-18188359-G-C.
Other names: c.516C>G, p.Phe172Leu (NM_001290023.2, NM_153701.3); c.636C>G, p.Phe212Leu (NM_001290024.2); short protein forms F172L, F212L.
Identifiers: ClinVar variation 3605013 (VCV003605013.2).

ClinVar aggregate classification (germline): Uncertain significance (1 of 4 stars; one submission).

Conditions:
Mendelian susceptibility to mycobacterial diseases due to complete IL12RB1 deficiency. Also called: IL12RB1 DEFICIENCY; Immunodeficiency 30. Identifiers: Orphanet 319552, MedGen C4013949, MONDO:0013955, OMIM 614891.

gnomAD v4.1: 21 of 1,612,312 alleles (0.0013%); highest among the groups gnomAD compares: Non-Finnish European, 0.0014%; no homozygotes.

Submission:

Labcorp Genetics (formerly Invitae), Labcorp
Classification: Uncertain significance for Mendelian susceptibility to mycobacterial diseases due to complete IL12RB1 deficiency. Last evaluated: 2024-10-22. Review status: criteria provided, single submitter. Criteria: Invitae Variant Classification Sherloc (09022015). Collection method: clinical testing. Allele origin: germline.
Comment: This sequence change replaces phenylalanine, which is neutral and non-polar, with leucine, which is neutral and non-polar, at codon 172 of the IL12RB1 protein (p.Phe172Leu). This variant is present in population databases (rs747933342, gnomAD 0.0009%). This variant has not been reported in the literature in individuals affected with IL12RB1-related conditions. Invitae Evidence Modeling of protein sequence and biophysical properties (such as structural, functional, and spatial information, amino acid conservation, physicochemical variation, residue mobility, and thermodynamic stability) indicates that this missense variant is not expected to disrupt IL12RB1 protein function with a negative predictive value of 80%. In summary, the available evidence is currently insufficient to determine the role of this variant in disease. Therefore, it has been classified as a Variant of Uncertain Significance.